The following is an entry in ClinVar:

ClinVar aggregate classification (germline): Uncertain significance. Review status: criteria provided, multiple submitters, no conflicts (2 of 4 stars). 4 submissions from 4 submitters: Uncertain significance (3). 1 of the submissions does not count toward it. Last evaluated 2025-03-11.

Conditions:
CRB1-related disorder. Also called: CRB1-related condition; CRB1-related disorders.
Retinitis pigmentosa 12 (RP12). Also called: RP WITH OR WITHOUT PRESERVED PARAARTERIOLE RETINAL PIGMENT EPITHELIUM; RETINITIS PIGMENTOSA WITH OR WITHOUT PARAARTERIOLAR PRESERVATION OF RETINAL PIGMENT EPITHELIUM; RP WITH OR WITHOUT PPRPE. Identifiers: Orphanet 791, MedGen C1838647, MONDO:0010818, OMIM 600105.
Leber congenital amaurosis 8 (LCA8). Identifiers: Orphanet 65, MedGen C3151202, MONDO:0013453, OMIM 613835.
Leber congenital amaurosis (LCA). Also called: Leber's amaurosis. Identifiers: Orphanet 65, MedGen C0339527, MeSH D057130, MONDO:0018998.
Inborn genetic diseases. Identifiers: MedGen C0950123, MeSH D030342.

Allele frequency attached by ClinVar (database versions not stated): gnomAD exomes 0.00001 and 0.00002; ExAC 0.00003; gnomAD 0.00006; TOPMed 0.00006; ESP Exome Variant Server 0.00008.
gnomAD v4.1: 18 of 1,613,988 alleles (0.0011%); highest among the groups gnomAD compares: African/African-American, 0.023%; no homozygotes.

Submissions (4):

PreventionGenetics, part of Exact Sciences
Classification: Uncertain significance for CRB1-related condition. Last evaluated: 2025-03-11. Review status: criteria provided, single submitter. Criteria: ACMG Guidelines, 2015. Collection method: clinical testing. Allele origin: germline.
Comment: The CRB1 c.1945G>A variant is predicted to result in the amino acid substitution p.Asp649Asn. To our knowledge, this variant has not been reported in the literature. This variant is reported in 0.028% of alleles in individuals of African descent in gnomAD. A different variant affecting the same amino acid position, c.1945G>T, p.(Asp649Tyr) has been reported along with a second CRB1 variant in an individual with retinitis pigmentosa (Table S2, Birtel et al. 2018. PubMed ID: 30543658). At this time, the clinical significance of this c.1945G>A, p.(Asp649Asn) variant is uncertain due to the absence of conclusive functional and genetic evidence.

Labcorp Genetics (formerly Invitae), Labcorp
Classification: Uncertain significance for Leber congenital amaurosis 8; Retinitis pigmentosa 12. Last evaluated: 2022-07-29. Review status: criteria provided, single submitter. Criteria: Invitae Variant Classification Sherloc (09022015). Collection method: clinical testing. Allele origin: germline.
Comment: This sequence change replaces aspartic acid, which is acidic and polar, with asparagine, which is neutral and polar, at codon 649 of the CRB1 protein (p.Asp649Asn). This variant is present in population databases (rs138936375, gnomAD 0.02%). This variant has not been reported in the literature in individuals affected with CRB1-related conditions. ClinVar contains an entry for this variant (Variation ID: 945191). Algorithms developed to predict the effect of missense changes on protein structure and function output the following: SIFT: "Deleterious"; PolyPhen-2: "Probably Damaging"; Align-GVGD: "Class C15". The asparagine amino acid residue is found in multiple mammalian species, which suggests that this missense change does not adversely affect protein function. In summary, the available evidence is currently insufficient to determine the role of this variant in disease. Therefore, it has been classified as a Variant of Uncertain Significance.

Ambry Genetics
Classification: Uncertain significance for Inborn genetic diseases. Last evaluated: 2021-09-17. Review status: criteria provided, single submitter. Criteria: Ambry Variant Classification Scheme 2023. Collection method: clinical testing. Allele origin: germline.

Natera, Inc.
Classification: Uncertain significance for Leber congenital amaurosis. Last evaluated: 2020-09-01. Review status: no assertion criteria provided. Collection method: clinical testing. Allele origin: germline. Not counted in ClinVar's aggregate classification.

NM_201253.3(CRB1):c.1945G>A (p.Asp649Asn)

Gene: CRB1 (crumbs cell polarity complex component 1; plus strand). Cytogenetic location: 1q31.3.
Variant type: single nucleotide variant.
Coding change: c.1945G>A on transcript NM_201253.3 (MANE Select); coding-DNA position 1945, G replaced by A.
Protein change: p.Asp649Asn; replaces aspartic acid 649 with asparagine.
Molecular consequence: missense variant. On other transcripts: non-coding transcript variant (2).
Genome position (GRCh38, 1-based): chr1:197,421,773, G>A. VCF-style: chr1-197421773-G-A. GRCh37 (hg19) VCF-style: chr1-197390903-G-A.
Other names: c.1609G>A, p.Asp537Asn (NM_001193640.2); c.1738G>A, p.Asp580Asn (NM_001257965.2); c.1945G>A, p.Asp649Asn (NM_001257966.2); short protein forms D649N, D537N, D580N.
Identifiers: ClinVar variation 945191 (VCV000945191.6), dbSNP rs138936375, ClinGen allele CA1312004.
Genomic context (GRCh38, chr1:197,421,773, plus strand): 5'-AACTTCTATAATATGCCATCCACACCTTCGTTTGTAGGCTGTCTCCAAGACATTAAAATT[G>A]ATTGGAATCACATTACCCTGGAGAACATCTCGTCTGGCTCATCATTAAATGTCAAGGCAG-3'
Protein context (NP_957705.1, residues 639-659): FVGCLQDIKI[Asp649Asn]WNHITLENIS